The following is an entry in ClinVar:

NM_001099922.3(ALG13):c.164C>T (p.Ser55Leu)

Gene: ALG13 (ALG13 UDP-N-acetylglucosaminyltransferase subunit; plus strand). Cytogenetic location: Xq23.
Variant type: single nucleotide variant.
Coding change: c.164C>T on transcript NM_001099922.3 (MANE Select); coding-DNA position 164, C replaced by T.
Protein change: p.Ser55Leu; replaces serine 55 with leucine.
Molecular consequence: missense variant. On other transcripts: 5 prime UTR variant (6), non-coding transcript variant (1), intron variant (5).
Genome position (GRCh38, 1-based): chrX:111,682,214, C>T. VCF-style: chrX-111682214-C-T. GRCh37 (hg19) VCF-style: chrX-110925442-C-T.
Other names: c.164C>T, p.Ser55Leu (NM_001039210.5, NM_001168385.3, NM_001324290.2 and 2 more transcripts); c.-12C>T (NM_001257231.2, NM_001257241.3); c.-149C>T (NM_001257237.2, NM_001257239.3, NM_001257240.3 and 1 more transcripts); c.-127-22C>T (NM_001257234.2, NM_001257230.2, NM_001257235.3 and 2 more transcripts); short protein forms S55L.
Identifiers: ClinVar variation 937161 (VCV000937161.9), dbSNP rs1933620653, ClinGen allele CA414248306.

ClinVar aggregate classification (germline): Uncertain significance. Review status: criteria provided, multiple submitters, no conflicts (2 of 4 stars). 2 submissions from 2 submitters: Uncertain significance (2). Last evaluated 2025-03-17.

Conditions:
Developmental and epileptic encephalopathy, 36 (DEE36). Also called: Epileptic encephalopathy, early infantile, 36; ALG13-CDG; Congenital disorder of glycosylation, type Is. Identifiers: Orphanet 324422, MedGen C4317295, MONDO:0010472, OMIM 300884.

Allele frequency attached by ClinVar (database versions not stated): TOPMed below 0.00001.

Submissions (2):

Women's Health and Genetics/Laboratory Corporation of America, LabCorp
Classification: Uncertain significance. Last evaluated: 2025-03-17. Review status: criteria provided, single submitter. Criteria: LabCorp Variant Classification Summary - May 2015. Collection method: clinical testing. Allele origin: germline.
Comment: Variant summary: ALG13 c.164C>T (p.Ser55Leu) results in a non-conservative amino acid change in the encoded protein sequence. Four of five in-silico tools predict a benign effect of the variant on protein function. The variant was absent in 172692 control chromosomes. The available data on variant occurrences in the general population are insufficient to allow any conclusion about variant significance. To our knowledge, c.164C>T has not been reported in the literature in individuals affected with Epileptic Encephalopathy, Early Infantile, 36 and no experimental evidence demonstrating an impact on protein function has been reported. ClinVar contains an entry for this variant (Variation ID: 937161). Based on the evidence outlined above, the variant was classified as uncertain significance.

Labcorp Genetics (formerly Invitae), Labcorp
Classification: Uncertain significance for Developmental and epileptic encephalopathy, 36. Last evaluated: 2024-03-02. Review status: criteria provided, single submitter. Criteria: Invitae Variant Classification Sherloc (09022015). Collection method: clinical testing. Allele origin: germline.
Comment: This sequence change replaces serine, which is neutral and polar, with leucine, which is neutral and non-polar, at codon 55 of the ALG13 protein (p.Ser55Leu). This variant is not present in population databases (gnomAD no frequency). This missense change has been observed in individual(s) with clinical features of developmental and epileptic encephalopathy (Invitae). ClinVar contains an entry for this variant (Variation ID: 937161). An algorithm developed to predict the effect of missense changes on protein structure and function (PolyPhen-2) suggests that this variant is likely to be disruptive. In summary, the available evidence is currently insufficient to determine the role of this variant in disease. Therefore, it has been classified as a Variant of Uncertain Significance.